The following is an entry in ClinVar:

ClinVar aggregate classification (germline): Uncertain significance. Review status: criteria provided, multiple submitters, no conflicts (2 of 4 stars). 2 submissions from 2 submitters: Uncertain significance (2). Last evaluated 2025-05-20.

Allele frequency attached by ClinVar (database versions not stated): gnomAD 0.00003; TOPMed 0.00006.

Submissions (2):

Ambry Genetics
Classification: Uncertain significance. Last evaluated: 2025-05-20. Review status: criteria provided, single submitter. Criteria: Ambry Variant Classification Scheme 2023. Collection method: clinical testing. Allele origin: germline.

Labcorp Genetics (formerly Invitae), Labcorp
Classification: Uncertain significance. Last evaluated: 2022-02-08. Review status: criteria provided, single submitter. Criteria: Invitae Variant Classification Sherloc (09022015). Collection method: clinical testing. Allele origin: germline.
Comment: In summary, the available evidence is currently insufficient to determine the role of this variant in disease. Therefore, it has been classified as a Variant of Uncertain Significance. Algorithms developed to predict the effect of missense changes on protein structure and function are either unavailable or do not agree on the potential impact of this missense change (SIFT: "Deleterious"; PolyPhen-2: "Probably Damaging"; Align-GVGD: "Class C0"). This variant has not been reported in the literature in individuals affected with MMP9-related conditions. This variant is present in population databases (no rsID available, gnomAD 0.008%). This sequence change replaces valine, which is neutral and non-polar, with glutamic acid, which is acidic and polar, at codon 398 of the MMP9 protein (p.Val398Glu).

NM_004994.3(MMP9):c.1193T>A (p.Val398Glu)

Gene: MMP9 (matrix metallopeptidase 9; plus strand). Cytogenetic location: 20q13.12.
Variant type: single nucleotide variant.
Coding change: c.1193T>A on transcript NM_004994.3 (MANE Select); coding-DNA position 1193, T replaced by A.
Protein change: p.Val398Glu; replaces valine 398 with glutamic acid.
Molecular consequence: missense variant.
Genome position (GRCh38, 1-based): chr20:46,012,445, T>A. VCF-style: chr20-46012445-T-A. GRCh37 (hg19) VCF-style: chr20-44641084-T-A.
Other names: c.1193T>A (NM_004994.2); short protein forms V398E.
Identifiers: ClinVar variation 2419404 (VCV002419404.6), dbSNP rs765298650, ClinGen allele CA315635854.
Genomic context (GRCh38, chr20:46,012,445, plus strand): 5'-GCTCGGCCCGGCGCTCACGTCTCAGGCTCCCTCTCCCTCCAGGATACAGTTTGTTCCTCG[T>A]GGCGGCGCATGAGTTCGGCCACGCGCTGGGCTTAGATCATTCCTCAGTGCCGGAGGCGCT-3'
Protein context (NP_004985.2, residues 388-408): CPDQGYSLFL[Val398Glu]AAHEFGHALG